The following is an entry in ClinVar:

NC_012920.1(MT-ATP6):m.9014A>G

Gene: MT-ATP6 (mitochondrially encoded ATP synthase 6; plus strand).
Variant type: single nucleotide variant.
Genome position: chrM-9014-A-G.
Identifiers: ClinVar variation 693054 (VCV000693054.1), dbSNP rs1603221980, ClinGen allele CA414801867.

ClinVar aggregate classification (germline): Uncertain significance (1 of 4 stars; one submission).

Conditions:
Leigh syndrome (NULS). Also called: Leigh's necrotizing encephalopathy; Leigh's disease; Leigh Syndrome (mtDNA deletion); Leigh Disease; Subacute necrotizing encephalopathy; Necrotizing encephalopathy infantile subacute of Leigh. Identifiers: Orphanet 506, MedGen C2931891, MONDO:0009723, OMIM 256000.

Submission:

Wong Mito Lab, Molecular and Human Genetics, Baylor College of Medicine
Classification: Uncertain significance for Leigh syndrome. Last evaluated: 2019-10-17. Review status: criteria provided, single submitter. Criteria: Modified ACMG Guidelines (Unpublished). Collection method: clinical testing. Allele origin: germline.
Comment: The NC_012920.1:m.9014A>G (YP_003024031.1:p.Asn163Ser) variant in MTATP6 gene is interpretated to be a Uncertain Significance variant based on the modified ACMG guidelines (unpublished). This variant meets the following evidence codes: PP3, PP6, PP7